The following is an entry in ClinVar:

ClinVar aggregate classification (germline): Uncertain significance (1 of 4 stars; one submission).

gnomAD v4.1: 1 of 1,606,826 alleles (0.000062%); highest among the groups gnomAD compares: South Asian, 0.0011%; no homozygotes.

Submission:

Labcorp Genetics (formerly Invitae), Labcorp
Classification: Uncertain significance. Last evaluated: 2022-03-11. Review status: criteria provided, single submitter. Criteria: Invitae Variant Classification Sherloc (09022015). Collection method: clinical testing. Allele origin: germline.
Comment: Variants that disrupt the consensus splice site are a relatively common cause of aberrant splicing (PMID: 17576681, 9536098). Algorithms developed to predict the effect of sequence changes on RNA splicing suggest that this variant may create or strengthen a splice site. In summary, the available evidence is currently insufficient to determine the role of this variant in disease. Therefore, it has been classified as a Variant of Uncertain Significance. This variant has not been reported in the literature in individuals affected with RECQL-related conditions. This variant is present in population databases (no rsID available, gnomAD 0.003%). This sequence change falls in intron 13 of the RECQL gene. It does not directly change the encoded amino acid sequence of the RECQL protein. It affects a nucleotide within the consensus splice site.

Literature cited by the submitters: PubMed 17576681; PubMed 9536098.

NM_002907.4(RECQL):c.1667+3A>G

Gene: RECQL (RecQ like helicase; minus strand). Cytogenetic location: 12p12.1.
Variant type: single nucleotide variant.
Coding change: c.1667+3A>G on transcript NM_002907.4 (MANE Select); 3 bases into the intron after coding-DNA position 1667, A replaced by G.
Molecular consequence: intron variant.
Genome position (GRCh38, 1-based): chr12:21,471,425, T>C on the plus strand (A>G on the coding strand, the complement: RECQL is on the minus strand). VCF-style: chr12-21471425-T-C. GRCh37 (hg19) VCF-style: chr12-21624359-T-C.
Other names: c.1667+3A>G (NM_032941.3).
Identifiers: ClinVar variation 2186206 (VCV002186206.4), dbSNP rs1317888510, ClinGen allele CA603967525.